The following is an entry in ClinVar:

NM_001127649.3(PEX26):c.804A>G (p.Arg268=)

Gene: PEX26 (peroxisomal biogenesis factor 26; plus strand). Cytogenetic location: 22q11.21.
Variant type: single nucleotide variant.
Coding change: c.804A>G on transcript NM_001127649.3 (MANE Select); coding-DNA position 804, A replaced by G.
Protein change: p.Arg268=; no amino-acid change (arginine 268 retained).
Molecular consequence: synonymous variant. On other transcripts: intron variant (1).
Genome position (GRCh38, 1-based): chr22:18,085,248, A>G. VCF-style: chr22-18085248-A-G. GRCh37 (hg19) VCF-style: chr22-18568014-A-G.
Other names: c.804A>G, p.Arg268= (NM_017929.6); c.667+1516A>G (NM_001199319.2); c.804A>G (NM_017929.5).
Identifiers: ClinVar variation 1411263 (VCV001411263.7), dbSNP rs1055672932, ClinGen allele CA321290551.

ClinVar aggregate classification (germline): Likely benign. Review status: criteria provided, multiple submitters, no conflicts (2 of 4 stars). 2 submissions from 2 submitters: Likely benign (2). Last evaluated 2024-10-30.

Conditions:
PEX26-related disorder. Also called: PEX26-related condition.
Peroxisome biogenesis disorder 7A (Zellweger). Also called: Peroxisome biogenesis disorder 7A. Identifiers: Orphanet 912, MedGen C3888385, MONDO:0013938, OMIM 614872.
Peroxisome biogenesis disorder 7B (PBD7B). Identifiers: Orphanet 44, MedGen C3553951, MONDO:0013939, OMIM 614873.

Allele frequency attached by ClinVar (database versions not stated): gnomAD exomes below 0.00001; gnomAD 0.00002 and 0.00003; TOPMed 0.00003.
gnomAD v4.1: 4 of 1,613,790 alleles (0.00025%); highest among the groups gnomAD compares: African/African-American, 0.004%; no homozygotes.

Submissions (2):

PreventionGenetics, part of Exact Sciences
Classification: Likely benign for PEX26-related condition. Last evaluated: 2024-10-30. Review status: criteria provided, single submitter. Criteria: ACMG Guidelines, 2015. Collection method: clinical testing. Allele origin: germline.
Comment: This variant is classified as likely benign based on ACMG/AMP sequence variant interpretation guidelines (Richards et al. 2015 PMID: 25741868, with internal and published modifications).

Labcorp Genetics (formerly Invitae), Labcorp
Classification: Likely benign for Peroxisome biogenesis disorder 7A (Zellweger); Peroxisome biogenesis disorder 7B. Last evaluated: 2024-02-13. Review status: criteria provided, single submitter. Criteria: Invitae Variant Classification Sherloc (09022015). Collection method: clinical testing. Allele origin: germline.